The following is an entry in ClinVar:

NM_006231.4(POLE):c.4728+1G>C

Gene: POLE (DNA polymerase epsilon, catalytic subunit; minus strand). Cytogenetic location: 12q24.33.
Variant type: single nucleotide variant.
Coding change: c.4728+1G>C on transcript NM_006231.4 (MANE Select); the canonical splice donor site of the intron after coding-DNA position 4728, G replaced by C.
Molecular consequence: splice donor variant.
Genome position (GRCh38, 1-based): chr12:132,642,819, C>G on the plus strand (G>C on the coding strand, the complement: POLE is on the minus strand). VCF-style: chr12-132642819-C-G. GRCh37 (hg19) VCF-style: chr12-133219405-C-G.
Identifiers: ClinVar variation 2853527 (VCV002853527.3), dbSNP rs2138538396, ClinGen allele CA387378605.

ClinVar aggregate classification (germline): Likely pathogenic (1 of 4 stars; one submission).

Submission:

Labcorp Genetics (formerly Invitae), Labcorp
Classification: Likely pathogenic. Last evaluated: 2023-04-08. Review status: criteria provided, single submitter. Criteria: Invitae Variant Classification Sherloc (09022015). Collection method: clinical testing. Allele origin: germline.
Comment: In summary, the currently available evidence indicates that the variant is pathogenic, but additional data are needed to prove that conclusively. Therefore, this variant has been classified as Likely Pathogenic. RNA analysis provides insufficient evidence to determine the effect of this variant on POLE splicing (Invitae). This variant has not been reported in the literature in individuals affected with POLE-related conditions. This variant is not present in population databases (gnomAD no frequency). This sequence change affects a donor splice site in intron 36 of the POLE gene. It is expected to disrupt RNA splicing. Variants that disrupt the donor or acceptor splice site typically lead to a loss of protein function (PMID: 16199547), and loss-of-function variants in POLE are known to be pathogenic (PMID: 23230001, 25948378, 30503519).

Literature cited by the submitters: PubMed 16199547; PubMed 23230001; PubMed 25948378; PubMed 30503519.